The following is an entry in ClinVar:

ClinVar aggregate classification (germline): Uncertain significance (1 of 4 stars; one submission).

Conditions:
Cardiovascular phenotype. Identifiers: MedGen CN230736.

Allele frequency attached by ClinVar (database versions not stated): gnomAD exomes below 0.00001; ExAC 0.00001.

Submission:

Ambry Genetics
Classification: Uncertain significance for Cardiovascular phenotype. Last evaluated: 2022-10-02. Review status: criteria provided, single submitter. Criteria: Ambry Variant Classification Scheme 2023. Collection method: clinical testing. Allele origin: germline.
Comment: The p.A261T variant (also known as c.781G>A), located in coding exon 7 of the AKAP9 gene, results from a G to A substitution at nucleotide position 781. The alanine at codon 261 is replaced by threonine, an amino acid with similar properties. This amino acid position is conserved. In addition, this alteration is predicted to be tolerated by in silico analysis. Since supporting evidence is limited at this time, the clinical significance of this alteration remains unclear.

NM_005751.5(AKAP9):c.781G>A (p.Ala261Thr)

Genes: AKAP9 (A-kinase anchoring protein 9; plus strand), LOC129998789 (ATAC-STARR-seq lymphoblastoid silent region 18366; plus strand). Cytogenetic location: 7q21.2.
Variant type: single nucleotide variant.
Coding change: c.781G>A on transcript NM_005751.5 (MANE Select); coding-DNA position 781, G replaced by A.
Protein change: p.Ala261Thr; replaces alanine 261 with threonine.
Molecular consequence: missense variant.
Genome position (GRCh38, 1-based): chr7:91,995,651, G>A. VCF-style: chr7-91995651-G-A. GRCh37 (hg19) VCF-style: chr7-91624965-G-A.
Other names: c.781G>A, p.Ala261Thr (NM_147185.3); short protein forms A261T.
Identifiers: ClinVar variation 1760769 (VCV001760769.2), dbSNP rs775429275, ClinGen allele CA4335917.